The following is an entry in ClinVar:

ClinVar aggregate classification (germline): Uncertain significance (1 of 4 stars; one submission).

Allele frequency attached by ClinVar (database versions not stated): gnomAD 0.00001; gnomAD exomes 0.00001 and 0.00002; ExAC 0.00002; TOPMed 0.00002.
gnomAD v4.1: 19 of 1,613,930 alleles (0.0012%); highest among the groups gnomAD compares: South Asian, 0.0099%; no homozygotes.

Submission:

Labcorp Genetics (formerly Invitae), Labcorp
Classification: Uncertain significance. Last evaluated: 2024-12-08. Review status: criteria provided, single submitter. Criteria: Invitae Variant Classification Sherloc (09022015). Collection method: clinical testing. Allele origin: germline.
Comment: This sequence change replaces threonine, which is neutral and polar, with methionine, which is neutral and non-polar, at codon 733 of the PRPF8 protein (p.Thr733Met). This variant is present in population databases (rs771458093, gnomAD 0.006%). This variant has not been reported in the literature in individuals affected with PRPF8-related conditions. ClinVar contains an entry for this variant (Variation ID: 1023828). Invitae Evidence Modeling of protein sequence and biophysical properties (such as structural, functional, and spatial information, amino acid conservation, physicochemical variation, residue mobility, and thermodynamic stability) indicates that this missense variant is not expected to disrupt PRPF8 protein function with a negative predictive value of 80%. In summary, the available evidence is currently insufficient to determine the role of this variant in disease. Therefore, it has been classified as a Variant of Uncertain Significance.

NM_006445.4(PRPF8):c.2198C>T (p.Thr733Met)

Gene: PRPF8 (pre-mRNA processing factor 8; minus strand). Cytogenetic location: 17p13.3.
Variant type: single nucleotide variant.
Coding change: c.2198C>T on transcript NM_006445.4 (MANE Select); coding-DNA position 2198, C replaced by T.
Protein change: p.Thr733Met; replaces threonine 733 with methionine.
Molecular consequence: missense variant.
Genome position (GRCh38, 1-based): chr17:1,676,695, G>A on the plus strand (C>T on the coding strand, the complement: PRPF8 is on the minus strand). VCF-style: chr17-1676695-G-A. GRCh37 (hg19) VCF-style: chr17-1579989-G-A.
Other names: short protein forms T733M.
Identifiers: ClinVar variation 1023828 (VCV001023828.5), dbSNP rs771458093, ClinGen allele CA8272158.